The following is an entry in ClinVar:

NM_001353921.2(ARHGEF9):c.582+1G>A

Gene: ARHGEF9 (Cdc42 guanine nucleotide exchange factor 9; minus strand). Cytogenetic location: Xq11.1.
Variant type: single nucleotide variant.
Coding change: c.582+1G>A on transcript NM_001353921.2 (MANE Select); the canonical splice donor site of the intron after coding-DNA position 582, G replaced by A.
Molecular consequence: splice donor variant.
Genome position (GRCh38, 1-based): chrX:63,697,124, C>T on the plus strand (G>A on the coding strand, the complement: ARHGEF9 is on the minus strand). VCF-style: chrX-63697124-C-T. GRCh37 (hg19) VCF-style: chrX-62917004-C-T.
Other names: c.255+1G>A (NM_001173480.2, NM_001369042.1); c.498+1G>A (NM_001353927.2, NM_001369033.1, NM_001369036.1 and 8 more transcripts); c.381+1G>A (NM_001353926.2, NM_001353924.2, NM_001369040.1 and 1 more transcripts); c.561+1G>A (NM_001369032.1, NM_001353928.2, NM_015185.3 and 2 more transcripts); c.402+1G>A (NM_001173479.2); c.582+1G>A (NM_001353922.2); c.600+1G>A (NM_001353923.1); c.147+1G>A (NM_001369045.1).
Identifiers: ClinVar variation 579150 (VCV000579150.13), dbSNP rs1569476483, ClinGen allele CA413406806.

ClinVar aggregate classification (germline): Pathogenic/Likely pathogenic. Review status: criteria provided, multiple submitters, no conflicts (2 of 4 stars). 3 submissions from 3 submitters: Pathogenic (2); Likely pathogenic (1). Last evaluated 2023-02-24.

Conditions:
Developmental and epileptic encephalopathy, 8 (DEE8). Also called: HYPEREKPLEXIA AND EPILEPSY. Identifiers: Orphanet 163985, Orphanet 2076, MedGen C1845102, MONDO:0010375, OMIM 300607.

Submissions (3):

Laboratoire de Génétique Moléculaire, CHU Bordeaux
Classification: Likely pathogenic for Developmental and epileptic encephalopathy, 8. Last evaluated: 2023-02-24. Review status: criteria provided, single submitter. Criteria: ACMG Guidelines, 2015. Collection method: clinical testing. Allele origin: germline. Affected: yes.

GeneDx
Classification: Pathogenic. Last evaluated: 2022-05-20. Review status: criteria provided, single submitter. Criteria: GeneDx Variant Classification Process June 2021. Collection method: clinical testing. Allele origin: germline. Affected: yes.
Comment: Canonical splice site variant expected to result in aberrant splicing, although in the absence of functional evidence the actual effect of this sequence change is unknown.; Not observed in large population cohorts (gnomAD); Has not been previously published as pathogenic or benign to our knowledge

Labcorp Genetics (formerly Invitae), Labcorp
Classification: Pathogenic for Developmental and epileptic encephalopathy, 8. Last evaluated: 2022-04-17. Review status: criteria provided, single submitter. Criteria: Invitae Variant Classification Sherloc (09022015). Collection method: clinical testing. Allele origin: germline.
Comment: For these reasons, this variant has been classified as Pathogenic. Algorithms developed to predict the effect of sequence changes on RNA splicing suggest that this variant may disrupt the consensus splice site. ClinVar contains an entry for this variant (Variation ID: 579150). Disruption of this splice site has been observed in individual(s) with early infantile epileptic encephalopathy (Invitae). In at least one individual the variant was observed to be de novo. This variant is not present in population databases (gnomAD no frequency). This sequence change affects a donor splice site in intron 4 of the ARHGEF9 gene. It is expected to disrupt RNA splicing. Variants that disrupt the donor or acceptor splice site typically lead to a loss of protein function (PMID: 16199547), and loss-of-function variants in ARHGEF9 are known to be pathogenic (PMID: 25678704, 26834553, 28589176).

Literature cited by the submitters: PubMed 16199547 (cited by Labcorp Genetics (formerly Invitae), Labcorp); PubMed 25678704 (cited by Labcorp Genetics (formerly Invitae), Labcorp); PubMed 26834553 (cited by Labcorp Genetics (formerly Invitae), Labcorp); PubMed 28589176 (cited by Labcorp Genetics (formerly Invitae), Labcorp).